The following is an entry in ClinVar:

ClinVar aggregate classification (germline): Likely benign (1 of 4 stars; one submission).

gnomAD v4.1: 2 of 1,613,496 alleles (0.00012%); highest among the groups gnomAD compares: Non-Finnish European, 0.00017%; no homozygotes.

Submission:

GeneDx
Classification: Likely benign. Last evaluated: 2017-09-08. Review status: criteria provided, single submitter. Criteria: GeneDx Variant Classification (06012015). Collection method: clinical testing. Allele origin: germline. Affected: yes.
Comment: This variant is considered likely benign or benign based on one or more of the following criteria: it is a conservative change, it occurs at a poorly conserved position in the protein, it is predicted to be benign by multiple in silico algorithms, and/or has population frequency not consistent with disease.

NM_000051.4(ATM):c.1608-12G>C

Gene: ATM (ATM serine/threonine kinase; plus strand). Cytogenetic location: 11q22.3.
Variant type: single nucleotide variant.
Coding change: c.1608-12G>C on transcript NM_000051.4 (MANE Select); 12 bases into the intron before coding-DNA position 1608, G replaced by C.
Molecular consequence: intron variant.
Genome position (GRCh38, 1-based): chr11:108,251,825, G>C. VCF-style: chr11-108251825-G-C. GRCh37 (hg19) VCF-style: chr11-108122552-G-C.
Other names: c.1608-12G>C (NM_001351834.2).
Identifiers: ClinVar variation 512051 (VCV000512051.1), dbSNP rs749269085, ClinGen allele CA601695565.